The following is an entry in ClinVar:

ClinVar aggregate classification (germline): Benign. Review status: criteria provided, multiple submitters, no conflicts (2 of 4 stars). 2 submissions from 2 submitters: Benign (2). Last evaluated 2018-01-13.

Conditions:
Immunodeficiency 51 (IMD51). Also called: CANDIDIASIS, FAMILIAL, 5. Identifiers: Orphanet 1334, MedGen C4310803, MONDO:0013500, OMIM 613953.

Allele frequency attached by ClinVar (database versions not stated): gnomAD 0.01714 and 0.01793; TOPMed 0.02076; 1000 Genomes Project 30x 0.03935; 1000 Genomes Project 0.04034.

Submissions (2):

Illumina Laboratory Services, Illumina
Classification: Benign for Immunodeficiency 51. Last evaluated: 2018-01-13. Review status: criteria provided, single submitter. Criteria: ICSL Variant Classification Criteria 13 December 2019. Collection method: clinical testing. Allele origin: germline.
Comment: This variant was observed in the ICSL laboratory as part of a predisposition screen in an ostensibly healthy population. It had not been previously curated by ICSL or reported in the Human Gene Mutation Database (HGMD: prior to June 1st, 2018), and was therefore a candidate for classification through an automated scoring system. Utilizing variant allele frequency, disease prevalence and penetrance estimates, and inheritance mode, an automated score was calculated to assess if this variant is too frequent to cause the disease. Based on the score and internal cut-off values, a variant classified as benign is not then subjected to further curation. The score for this variant resulted in a classification of benign for this disease.

Breakthrough Genomics
Classification: Benign. Review status: criteria provided, single submitter. Criteria: ACMG Guidelines, 2015. Collection method: not provided. Allele origin: germline. Inheritance: Autosomal recessive inheritance. Affected: yes.

NM_014339.7(IL17RA):c.*5270C>T

Gene: IL17RA (interleukin 17 receptor A; plus strand). Cytogenetic location: 22q11.1.
Variant type: single nucleotide variant.
Coding change: c.*5270C>T on transcript NM_014339.7 (MANE Select); 5270 bases downstream of the stop codon, C replaced by T.
Molecular consequence: 3 prime UTR variant.
Genome position (GRCh38, 1-based): chr22:17,115,090, C>T. VCF-style: chr22-17115090-C-T. GRCh37 (hg19) VCF-style: chr22-17595980-C-T.
Other names: c.*5270C>T (NM_001289905.2).
Identifiers: ClinVar variation 340728 (VCV000340728.6), dbSNP rs1003943, ClinGen allele CA10653838.
Genomic context (GRCh38, chr22:17,115,090, plus strand): 5'-CCTAGGTGTGGGCTGGGCATTGCCTACACGTGAAGAGATCACTCCGCGTCCCTACTGCAC[C>T]TGTCACAAAGTGCCTTCTGATATGCCTGGCAAACCAAAATCGGTGAGCGCCAGCTTGCTT-3'